The following is an entry in ClinVar:

NM_000053.4(ATP7B):c.52-1G>A

Gene: ATP7B (ATPase copper transporting beta; minus strand). Cytogenetic location: 13q14.3.
Variant type: single nucleotide variant.
Coding change: c.52-1G>A on transcript NM_000053.4 (MANE Select); the canonical splice acceptor site of the intron before coding-DNA position 52, G replaced by A.
Molecular consequence: splice acceptor variant.
Genome position (GRCh38, 1-based): chr13:51,975,169, C>T on the plus strand (G>A on the coding strand, the complement: ATP7B is on the minus strand). VCF-style: chr13-51975169-C-T. GRCh37 (hg19) VCF-style: chr13-52549305-C-T.
Other names: c.52-1G>A (NM_001406541.1, NM_001406531.1, NM_001406527.1 and 30 more transcripts); c.-45-1G>A (NM_001406543.1, NM_001406518.1, NM_001406539.1 and 4 more transcripts).
Identifiers: ClinVar variation 2834472 (VCV002834472.4), dbSNP rs1057517351, ClinGen allele CA388045438.

ClinVar aggregate classification (germline): Likely pathogenic. Review status: criteria provided, multiple submitters, no conflicts (2 of 4 stars). 2 submissions from 2 submitters: Likely pathogenic (2). Last evaluated 2024-04-04.

Conditions:
Wilson disease (WND). Also called: Wilson's disease. Identifiers: Orphanet 905, MedGen C0019202, MONDO:0010200, OMIM 277900. Disease mechanism: loss of function.

Submissions (2):

Fulgent Genetics
Classification: Likely pathogenic for Wilson disease. Last evaluated: 2024-04-04. Review status: criteria provided, single submitter. Criteria: ACMG Guidelines, 2015. Collection method: clinical testing. Allele origin: germline.

Labcorp Genetics (formerly Invitae), Labcorp
Classification: Likely pathogenic for Wilson disease. Last evaluated: 2023-10-26. Review status: criteria provided, single submitter. Criteria: Invitae Variant Classification Sherloc (09022015). Collection method: clinical testing. Allele origin: germline.
Comment: This sequence change affects an acceptor splice site in intron 1 of the ATP7B gene. It is expected to disrupt RNA splicing. Variants that disrupt the donor or acceptor splice site typically lead to a loss of protein function (PMID: 16199547), and loss-of-function variants in ATP7B are known to be pathogenic (PMID: 10441329, 16283883). This variant is not present in population databases (gnomAD no frequency). This variant has not been reported in the literature in individuals affected with ATP7B-related conditions. Algorithms developed to predict the effect of sequence changes on RNA splicing suggest that this variant may disrupt the consensus splice site. In summary, the currently available evidence indicates that the variant is pathogenic, but additional data are needed to prove that conclusively. Therefore, this variant has been classified as Likely Pathogenic.

Literature cited by the submitters: PubMed 16199547 (cited by Labcorp Genetics (formerly Invitae), Labcorp); PubMed 10441329 (cited by Labcorp Genetics (formerly Invitae), Labcorp); PubMed 16283883 (cited by Labcorp Genetics (formerly Invitae), Labcorp).